The following is an entry in ClinVar:

NM_005994.4(TBX2):c.887+2T>C

Gene: TBX2 (T-box transcription factor 2; plus strand). Cytogenetic location: 17q23.2.
Variant type: single nucleotide variant.
Coding change: c.887+2T>C on transcript NM_005994.4 (MANE Select); the canonical splice donor site of the intron after coding-DNA position 887, T replaced by C.
Molecular consequence: splice donor variant.
Genome position (GRCh38, 1-based): chr17:61,404,499, T>C. VCF-style: chr17-61404499-T-C. GRCh37 (hg19) VCF-style: chr17-59481860-T-C.
Other names: c.887+2T>C (NM_005994.3).
Identifiers: ClinVar variation 1687348 (VCV001687348.2), dbSNP rs2143731708, ClinGen allele CA400472939.
Genomic context (GRCh38, chr17:61,404,499, plus strand): 5'-GACAACAACCCGTTTGCCAAGGGCTTCCGGGACACCGGGAACGGCCGGCGGGAGAAAAGG[T>C]GAGAGGCCGAGGACAGCAGCCCTGTGGCGGGTGCCCGCGGGAGCAGCGAGCAGGAGGGAT-3'

ClinVar aggregate classification (germline): Conflicting classifications of pathogenicity. Review status: criteria provided, conflicting classifications (1 of 4 stars). 2 submissions from 2 submitters: Likely pathogenic (1); Uncertain significance (1). Last evaluated 2022-11-15.

Conditions:
Vertebral anomalies and variable endocrine and T-cell dysfunction. Identifiers: MedGen C4748741, MONDO:0032607, OMIM 618223.
TBX2-related disorder. Also called: TBX2-related condition.

gnomAD v4.1: 1 of 1,609,852 alleles (0.000062%); no homozygotes.

Submissions (2):

PreventionGenetics, part of Exact Sciences
Classification: Uncertain significance for TBX2-related condition. Last evaluated: 2022-11-15. Review status: criteria provided, single submitter. Criteria: ACMG Guidelines, 2015. Collection method: clinical testing. Allele origin: germline.
Comment: The TBX2 c.887+2T>C variant is predicted to disrupt the GT donor site and interfere with normal splicing. To our knowledge, this variant has not been reported in the literature or in a large population database, indicating this variant is rare. It is reported as likely pathogenic in ClinVar (see clinical features). At this time, the clinical significance of this variant is uncertain due to the absence of conclusive functional and genetic evidence.

3billion
Classification: Likely pathogenic for Vertebral anomalies and variable endocrine and T-cell dysfunction. Last evaluated: 2022-05-22. Review status: criteria provided, single submitter. Criteria: ACMG Guidelines, 2015. Collection method: clinical testing. Allele origin: germline. Affected: yes. Observed: 1 heterozygote.
Comment: The variant is not observed in the gnomAD v2.1.1 dataset. Canonical splice site: predicted to alter splicing and result in a loss or disruption of normal protein function through nonsense-mediated decay (NMD) or protein truncation. Multiple pathogenic variants are reported downstream of the variant. Therefore, this variant is classified as likely pathogenic according to the recommendation of ACMG/AMP guideline.